The following is an entry in ClinVar:

NM_021100.5(NFS1):c.408+1573C>T

Gene: NFS1 (NFS1 cysteine desulfurase; minus strand). Cytogenetic location: 20q11.22.
Variant type: single nucleotide variant.
Coding change: c.408+1573C>T on transcript NM_021100.5 (MANE Select); 1573 bases into the intron after coding-DNA position 408, C replaced by T.
Molecular consequence: intron variant.
Genome position (GRCh38, 1-based): chr20:35,694,804, G>A on the plus strand (C>T on the coding strand, the complement: NFS1 is on the minus strand). VCF-style: chr20-35694804-G-A. GRCh37 (hg19) VCF-style: chr20-34282726-G-A.
Other names: c.408+1573C>T (NM_001198989.2).
Identifiers: ClinVar variation 2652287 (VCV002652287.24), dbSNP rs190971766, ClinGen allele CA9837269.

ClinVar aggregate classification (germline): Likely benign (1 of 4 stars; one submission).

Allele frequency attached by ClinVar (database versions not stated): 1000 Genomes Project 0.00220; 1000 Genomes Project 30x 0.00250; TOPMed 0.00256; gnomAD 0.00299.

Submission:

CeGaT Center for Human Genetics Tuebingen
Classification: Likely benign. Last evaluated: 2024-12-01. Review status: criteria provided, single submitter. Criteria: CeGaT Center For Human Genetics Tuebingen Variant Classification Criteria Version 2. Collection method: clinical testing. Allele origin: germline. Affected: yes. Observed: 3 variant alleles.
Comment: NFS1: BP4, BS1